The following is an entry in ClinVar:

NM_000071.3(CBS):c.1045A>G (p.Ser349Gly)

Gene: CBS (cystathionine beta-synthase; minus strand). Cytogenetic location: 21q22.3.
Variant type: single nucleotide variant.
Coding change: c.1045A>G on transcript NM_000071.3 (MANE Select); coding-DNA position 1045, A replaced by G.
Protein change: p.Ser349Gly; replaces serine 349 with glycine.
Molecular consequence: missense variant.
Genome position (GRCh38, 1-based): chr21:43,060,541, T>C on the plus strand (A>G on the coding strand, the complement: CBS is on the minus strand). VCF-style: chr21-43060541-T-C. GRCh37 (hg19) VCF-style: chr21-44480651-T-C.
Other names: c.1045A>G, p.Ser349Gly (NM_001178008.3, NM_001178009.3, NM_001320298.2); c.730A>G, p.Ser244Gly (NM_001321072.1); short protein forms S244G, S349G.
Identifiers: ClinVar variation 2775702 (VCV002775702.3), dbSNP rs763890444, ClinGen allele CA321689884.

ClinVar aggregate classification (germline): Likely pathogenic (1 of 4 stars; one submission).

Conditions:
HYPERHOMOCYSTEINEMIA, THROMBOTIC, CBS-RELATED. Identifiers: MedGen C3150344, OMIM 236200.

Allele frequency attached by ClinVar (database versions not stated): ExAC 0.00001.

Submission:

Labcorp Genetics (formerly Invitae), Labcorp
Classification: Likely pathogenic for HYPERHOMOCYSTEINEMIA, THROMBOTIC, CBS-RELATED. Last evaluated: 2022-11-29. Review status: criteria provided, single submitter. Criteria: Invitae Variant Classification Sherloc (09022015). Collection method: clinical testing. Allele origin: germline.
Comment: This sequence change replaces serine, which is neutral and polar, with glycine, which is neutral and non-polar, at codon 349 of the CBS protein (p.Ser349Gly). This variant is present in population databases (rs763890444, gnomAD 0.003%). This variant has not been reported in the literature in individuals affected with CBS-related conditions. Advanced modeling of protein sequence and biophysical properties (such as structural, functional, and spatial information, amino acid conservation, physicochemical variation, residue mobility, and thermodynamic stability) performed at Invitae indicates that this missense variant is expected to disrupt CBS protein function. This variant disrupts the p.Ser349 amino acid residue in CBS. Other variant(s) that disrupt this residue have been determined to be pathogenic (PMID: 12815602, 22267502). This suggests that this residue is clinically significant, and that variants that disrupt this residue are likely to be disease-causing. In summary, the currently available evidence indicates that the variant is pathogenic, but additional data are needed to prove that conclusively. Therefore, this variant has been classified as Likely Pathogenic.

Literature cited by the submitters: PubMed 12815602; PubMed 22267502.